The following is an entry in ClinVar:

NM_020843.4(SCAPER):c.1263C>A (p.Val421=)

Gene: SCAPER (S-phase cyclin A associated protein in the ER; minus strand). Cytogenetic location: 15q24.3.
Variant type: single nucleotide variant.
Coding change: c.1263C>A on transcript NM_020843.4 (MANE Select); coding-DNA position 1263, C replaced by A.
Protein change: p.Val421=; no amino-acid change (valine 421 retained).
Molecular consequence: synonymous variant. On other transcripts: non-coding transcript variant (1).
Genome position (GRCh38, 1-based): chr15:76,767,074, G>T on the plus strand (C>A on the coding strand, the complement: SCAPER is on the minus strand). VCF-style: chr15-76767074-G-T. GRCh37 (hg19) VCF-style: chr15-77059415-G-T.
Other names: c.525C>A, p.Val175= (NM_001145923.2); c.1281C>A, p.Val427= (NM_001353009.2); c.861C>A, p.Val287= (NM_001353010.2, NM_001353012.2); c.879C>A, p.Val293= (NM_001353011.2).
Identifiers: ClinVar variation 4997942 (VCV004997942.1).

ClinVar aggregate classification (germline): Likely benign (1 of 4 stars; one submission).

Conditions:
SCAPER-related disorder. Also called: SCAPER-related condition.

gnomAD v4.1: 3 of 1,590,602 alleles (0.00019%); highest among the groups gnomAD compares: African/African-American, 0.004%; no homozygotes.

Submission:

PreventionGenetics, part of Exact Sciences
Classification: Likely benign for SCAPER-related condition. Last evaluated: 2026-05-27. Review status: criteria provided, single submitter. Criteria: ACMG Guidelines, 2015. Collection method: clinical testing. Allele origin: germline.
Comment: This variant is classified as likely benign based on ACMG/AMP sequence variant interpretation guidelines (Richards et al. 2015 PMID: 25741868, with internal and published modifications).